The following is an entry in ClinVar:

ClinVar aggregate classification (germline): Uncertain significance (1 of 4 stars; one submission).

Conditions:
Arrhythmogenic right ventricular dysplasia 11. Also called: Arrhythmogenic right ventricular dysplasia 11 with mild palmoplantar keratoderma and woolly hair; Arrhythmogenic Right Ventricular Dysplasia/Cardiomyopathy11; ARRHYTHMOGENIC RIGHT VENTRICULAR DYSPLASIA, FAMILIAL, 11. Identifiers: MedGen C1864850, MONDO:0012506, OMIM 610476.

Allele frequency attached by ClinVar (database versions not stated): gnomAD exomes below 0.00001.
gnomAD v4.1: 1 of 1,614,064 alleles (0.000062%); highest among the groups gnomAD compares: Non-Finnish European, 0.000085%; no homozygotes.

Submission:

Labcorp Genetics (formerly Invitae), Labcorp
Classification: Uncertain significance for Arrhythmogenic right ventricular dysplasia 11. Last evaluated: 2025-03-16. Review status: criteria provided, single submitter. Criteria: Invitae Variant Classification Sherloc (09022015). Collection method: clinical testing. Allele origin: germline.
Comment: This sequence change replaces valine, which is neutral and non-polar, with leucine, which is neutral and non-polar, at codon 438 of the DSC2 protein (p.Val438Leu). This variant is not present in population databases (gnomAD no frequency). This variant has not been reported in the literature in individuals affected with DSC2-related conditions. ClinVar contains an entry for this variant (Variation ID: 2147840). Invitae Evidence Modeling of protein sequence and biophysical properties (such as structural, functional, and spatial information, amino acid conservation, physicochemical variation, residue mobility, and thermodynamic stability) indicates that this missense variant is not expected to disrupt DSC2 protein function with a negative predictive value of 80%. In summary, the available evidence is currently insufficient to determine the role of this variant in disease. Therefore, it has been classified as a Variant of Uncertain Significance.

NM_024422.6(DSC2):c.1312G>C (p.Val438Leu)

Gene: DSC2 (desmocollin 2; minus strand). Cytogenetic location: 18q12.1.
Variant type: single nucleotide variant.
Coding change: c.1312G>C on transcript NM_024422.6 (MANE Select); coding-DNA position 1312, G replaced by C.
Protein change: p.Val438Leu; replaces valine 438 with leucine.
Molecular consequence: missense variant.
Genome position (GRCh38, 1-based): chr18:31,080,304, C>G on the plus strand (G>C on the coding strand, the complement: DSC2 is on the minus strand). VCF-style: chr18-31080304-C-G. GRCh37 (hg19) VCF-style: chr18-28660270-C-G.
Other names: c.883G>C, p.Val295Leu (NM_001406506.1, NM_001406507.1); c.1312G>C, p.Val438Leu (NM_004949.5); short protein forms V295L, V438L.
Identifiers: ClinVar variation 2147840 (VCV002147840.4), dbSNP rs960400432, ClinGen allele CA297637050.
Genomic context (GRCh38, chr18:31,080,304, plus strand): 5'-CTGTTGCTGTGCTCATGGCTGATCTTGGACTAGCCTCTCTGGAAAATGGAGCTTCATTAA[C>G]TACACCAATTTGCAAGATCATCTGTTGCTTTTCTTCATAATTCAAAGGCTACGAAAGCAA-3'
Protein context (NP_077740.1, residues 428-448): KQQMILQIGV[Val438Leu]NEAPFSREAS